The following is an entry in ClinVar:

NM_001350162.2(TEX15):c.3838A>G (p.Thr1280Ala)

Gene: TEX15 (testis expressed 15, meiosis and synapsis associated; minus strand). Cytogenetic location: 8p12.
Variant type: single nucleotide variant.
Coding change: c.3838A>G on transcript NM_001350162.2 (MANE Select); coding-DNA position 3838, A replaced by G.
Protein change: p.Thr1280Ala; replaces threonine 1280 with alanine.
Molecular consequence: missense variant.
Genome position (GRCh38, 1-based): chr8:30,846,329, T>C on the plus strand (A>G on the coding strand, the complement: TEX15 is on the minus strand). VCF-style: chr8-30846329-T-C. GRCh37 (hg19) VCF-style: chr8-30703845-T-C.
Other names: c.2689A>G (NM_031271.3); short protein forms T1280A.
Identifiers: ClinVar variation 1176881 (VCV001176881.40), dbSNP rs144234582, ClinGen allele CA4703164.

ClinVar aggregate classification (germline): Conflicting classifications of pathogenicity. Review status: criteria provided, conflicting classifications (1 of 4 stars). 4 submissions from 4 submitters: Uncertain significance (3); Likely benign (1). Last evaluated 2024-02-01.

Conditions:
Spermatogenic failure 25. Identifiers: MedGen C4693765, MONDO:0054729, OMIM 617960.

Allele frequency attached by ClinVar (database versions not stated): 1000 Genomes Project 30x 0.00031; 1000 Genomes Project 0.00040; gnomAD 0.00071 and 0.00074; ESP Exome Variant Server 0.00077; ExAC 0.00078; gnomAD exomes 0.00080 and 0.00089; TOPMed 0.00095.
gnomAD v4.1: 1,326 of 1,612,838 alleles (0.082%); highest among the groups gnomAD compares: Middle Eastern, 0.54%; 4 homozygotes.

Submissions (4):

CeGaT Center for Human Genetics Tuebingen
Classification: Likely benign. Last evaluated: 2024-02-01. Review status: criteria provided, single submitter. Criteria: CeGaT Center For Human Genetics Tuebingen Variant Classification Criteria Version 2. Collection method: clinical testing. Allele origin: germline. Affected: yes. Observed: 2 variant alleles.
Comment: TEX15: BP4

Yatsenko Laboratory, Magee-Womens Research Institute, University of Pittsburgh
Classification: Uncertain significance for Spermatogenic failure 25. Last evaluated: 2022-12-30. Review status: criteria provided, single submitter. Criteria: ACMG Guidelines, 2015. Collection method: research. Allele origin: unknown. Affected: no.

Ambry Genetics
Classification: Uncertain significance. Last evaluated: 2022-03-29. Review status: criteria provided, single submitter. Criteria: Ambry Variant Classification Scheme 2023. Collection method: clinical testing. Allele origin: germline.

Breakthrough Genomics
Classification: Uncertain significance. Review status: criteria provided, single submitter. Criteria: ACMG Guidelines, 2015. Collection method: not provided. Allele origin: germline. Inheritance: Autosomal recessive inheritance. Affected: yes.